The following is an entry in ClinVar:

NM_000090.4(COL3A1):c.819A>G (p.Gly273=)

Gene: COL3A1 (collagen type III alpha 1 chain; plus strand). Cytogenetic location: 2q32.2.
Variant type: single nucleotide variant.
Coding change: c.819A>G on transcript NM_000090.4 (MANE Select); coding-DNA position 819, A replaced by G.
Protein change: p.Gly273=; no amino-acid change (glycine 273 retained).
Molecular consequence: synonymous variant.
Genome position (GRCh38, 1-based): chr2:188,991,024, A>G. VCF-style: chr2-188991024-A-G. GRCh37 (hg19) VCF-style: chr2-189855750-A-G.
Identifiers: ClinVar variation 927706 (VCV000927706.15), dbSNP rs761106446, ClinGen allele CA076970.

ClinVar aggregate classification (germline): Likely benign. Review status: criteria provided, multiple submitters, no conflicts (2 of 4 stars). 5 submissions from 5 submitters: Likely benign (5). Last evaluated 2026-01-25.

Conditions:
Familial thoracic aortic aneurysm and aortic dissection (TAAD). Also called: Thoracic aortic aneurysms and dissections. Identifiers: Orphanet 91387, MedGen C4707243, MONDO:0019625.
Ehlers-Danlos syndrome, type 4 (EDSVASC). Also called: Ehlers-Danlos syndrome vascular type; Ehlers Danlos syndrome, ecchymotic type; Ehlers Danlos syndrome, arterial type; Ehlers Danlos syndrome, Sack-Barabas type; Ehlers-Danlos Syndrome Type IV. Identifiers: Orphanet 286, MedGen C0268338, MONDO:0017314, OMIM 130050.

Allele frequency attached by ClinVar (database versions not stated): gnomAD 0.00001; gnomAD exomes 0.00001 and below 0.00001; TOPMed 0.00002; ExAC 0.00001.
gnomAD v4.1: 5 of 1,613,206 alleles (0.00031%); highest among the groups gnomAD compares: African/African-American, 0.0013%; no homozygotes.

Submissions (5):

Labcorp Genetics (formerly Invitae), Labcorp
Classification: Likely benign for Ehlers-Danlos syndrome, type 4. Last evaluated: 2026-01-25. Review status: criteria provided, single submitter. Criteria: Invitae Variant Classification Sherloc (09022015). Collection method: clinical testing. Allele origin: germline.

Ambry Genetics
Classification: Likely benign for Familial thoracic aortic aneurysm and aortic dissection. Last evaluated: 2025-07-22. Review status: criteria provided, single submitter. Criteria: Ambry Variant Classification Scheme 2023. Collection method: clinical testing. Allele origin: germline.

All of Us Research Program, National Institutes of Health
Classification: Likely benign for Ehlers-Danlos syndrome, type 4. Last evaluated: 2024-08-06. Review status: criteria provided, single submitter. Criteria: ACMG Guidelines, 2015. Collection method: clinical testing. Allele origin: germline. Inheritance: Autosomal dominant inheritance. Observed: 5 variant alleles, 5 heterozygotes.
Comment: This study involves interpretation of variants in research participants for the purpose of population health screening. Participant phenotype was not available at the time of variant classification. Additional details can be found in publication PMID: 35346344, PMCID: PMC8962531

Blueprint Genetics
Classification: Likely benign. Last evaluated: 2021-06-07. Review status: criteria provided, single submitter. Criteria: ACMG Guidelines, 2015. Collection method: clinical testing. Allele origin: germline.

Color Diagnostics, LLC DBA Color Health
Classification: Likely benign for Familial thoracic aortic aneurysm and aortic dissection. Last evaluated: 2019-08-14. Review status: criteria provided, single submitter. Criteria: ACMG Guidelines, 2015. Collection method: clinical testing. Allele origin: germline.